The following is an entry in ClinVar:

ClinVar aggregate classification (germline): Uncertain significance. Review status: criteria provided, single submitter (1 of 4 stars). 2 submissions from 2 submitters: Uncertain significance (1). 1 of the submissions does not count toward it. Last evaluated 2021-05-30.

Conditions:
MAGEL2-related disorder. Also called: MAGEL2-related condition.
Schaaf-Yang syndrome (SHFYNG). Also called: MAGEL2-related Prader-Willi-like syndrome; Arthrogryposis, distal, with hypopituitarism, intellectual disability, and facial anomalies. Identifiers: Orphanet 398069, MedGen C5575066, MONDO:0014243, OMIM 615547.

Submissions (2):

Baylor Genetics
Classification: Uncertain significance for Schaaf-Yang syndrome. Last evaluated: 2021-05-30. Review status: criteria provided, single submitter. Criteria: ACMG Guidelines, 2015. Collection method: clinical testing. Allele origin: unknown.

PreventionGenetics, part of Exact Sciences
Classification: Uncertain significance for MAGEL2-related condition. Last evaluated: 2024-01-30. Review status: no assertion criteria provided. Collection method: clinical testing. Allele origin: germline. Not counted in ClinVar's aggregate classification.
Comment: The MAGEL2 c.2147C>T variant is predicted to result in the amino acid substitution p.Thr716Ile. To our knowledge, this variant has not been reported in the literature. This variant is reported in 0.0018% of alleles in individuals of European (Non-Finnish) descent in gnomAD. At this time, the clinical significance of this variant is uncertain due to the absence of conclusive functional and genetic evidence.

NM_019066.5(MAGEL2):c.2147C>T (p.Thr716Ile)

Gene: MAGEL2 (MAGE family member L2; minus strand). Cytogenetic location: 15q11.2.
Variant type: single nucleotide variant.
Coding change: c.2147C>T on transcript NM_019066.5 (MANE Select); coding-DNA position 2147, C replaced by T.
Protein change: p.Thr716Ile; replaces threonine 716 with isoleucine.
Molecular consequence: missense variant.
Genome position (GRCh38, 1-based): chr15:23,645,596, G>A on the plus strand (C>T on the coding strand, the complement: MAGEL2 is on the minus strand). VCF-style: chr15-23645596-G-A. GRCh37 (hg19) VCF-style: chr15-23890743-G-A.
Other names: c.2147C>T (NM_019066.4); short protein forms T716I.
Identifiers: ClinVar variation 2441898 (VCV002441898.3), dbSNP rs1428871634, ClinGen allele CA391332581.